The following is an entry in ClinVar:

NM_014714.4(IFT140):c.2963del (p.Val988fs)

Genes: IFT140 (intraflagellar transport 140; minus strand), LOC126862260 (CDK7 strongly-dependent group 2 enhancer GRCh37_chr16:1574508-1575707; plus strand). Cytogenetic location: 16p13.3.
Variant type: Deletion.
Coding change: c.2963del on transcript NM_014714.4 (MANE Select); coding-DNA position 2963, one base deleted (T; older notation c.2963delT).
Protein change: p.Val988fs; shifts the reading frame from valine 988.
Molecular consequence: frameshift variant.
Genome position (GRCh38, 1-based): chr16:1,524,818, A deleted on the plus strand (T on the coding strand, the reverse complement: IFT140 is on the minus strand). VCF-style (leftmost placement, unchanged base first): chr16-1524817-GA-G. GRCh37 (hg19) VCF-style: chr16-1574818-GA-G.
Other names: c.2963delT (NM_014714.4); short protein forms V988fs.
Identifiers: ClinVar variation 3028333 (VCV003028333.3), dbSNP rs2141172134, ClinGen allele CA2731711288.

ClinVar aggregate classification (germline): Pathogenic. Review status: criteria provided, multiple submitters, no conflicts (2 of 4 stars). 2 submissions from 2 submitters: Pathogenic (2). Last evaluated 2025-04-16.

Conditions:
Retinal dystrophy. Also called: Inherited retinal dystrophy. Identifiers: Orphanet 71862, MedGen C0854723, MeSH D058499, MONDO:0019118, HP:0000556.
Saldino-Mainzer syndrome (SRTD9). Also called: SHORT-RIB THORACIC DYSPLASIA 9 WITHOUT POLYDACTYLY; short-rib thoracic dysplasia 9 with or without polydactyly; CONORENAL SYNDROME; Renal dysplasia, retinal pigmentary dystrophy, cerebellar ataxia and skeletal dysplasia. Identifiers: Orphanet 140969, MedGen C1849437, MONDO:0009964, OMIM 266920.

Submissions (2):

Labcorp Genetics (formerly Invitae), Labcorp
Classification: Pathogenic for Saldino-Mainzer syndrome. Last evaluated: 2025-04-16. Review status: criteria provided, single submitter. Criteria: Invitae Variant Classification Sherloc (09022015). Collection method: clinical testing. Allele origin: germline.
Comment: This sequence change creates a premature translational stop signal (p.Val988Alafs*16) in the IFT140 gene. It is expected to result in an absent or disrupted protein product. Loss-of-function variants in IFT140 are known to be pathogenic (PMID: 22503633, 23418020, 24009529, 26216056). This variant is not present in population databases (gnomAD no frequency). This variant has not been reported in the literature in individuals affected with IFT140-related conditions. ClinVar contains an entry for this variant (Variation ID: 3028333). For these reasons, this variant has been classified as Pathogenic.

Dept Of Ophthalmology, Nagoya University
Classification: Pathogenic for Retinal dystrophy. Last evaluated: 2023-10-01. Review status: criteria provided, single submitter. Criteria: Submitter's publication. Collection method: research. Allele origin: germline. Affected: yes.

Literature cited by the submitters: PubMed 22503633 (cited by Labcorp Genetics (formerly Invitae), Labcorp); PubMed 23418020 (cited by Labcorp Genetics (formerly Invitae), Labcorp); PubMed 24009529 (cited by Labcorp Genetics (formerly Invitae), Labcorp); PubMed 26216056 (cited by Labcorp Genetics (formerly Invitae), Labcorp).